The following is an entry in ClinVar:

ClinVar aggregate classification (germline): Uncertain significance. Review status: criteria provided, multiple submitters, no conflicts (2 of 4 stars). 5 submissions from 5 submitters: Uncertain significance (5). Last evaluated 2025-10-06.

Conditions:
Malignant hyperthermia, susceptibility to, 1 (MHS1). Also called: RYR1-Related Malignant Hyperthermia Susceptibility; Malignant hyperthermia suceptibility 1; Anesthesia related hyperthermia; Malignant hyperpyrexia; Fulminating hyperpyrexia; Pharmacogenic myopathy. Identifiers: Orphanet 423, MedGen C2930980, MONDO:0007783, OMIM 145600.
Central core myopathy (CMYO1A). Also called: CONGENITAL MYOPATHY 1A, AUTOSOMAL DOMINANT, WITH SUSCEPTIBILITY TO MALIGNANT HYPERTHERMIA; Central core disease; Myopathy, central fibrillar. Identifiers: Orphanet 597, MedGen C5830701, MONDO:0007294, OMIM 117000.
Congenital myopathy with fiber type disproportion. Also called: Congenital fiber-type disproportion myopathy; Congenital fiber-type disproportion. Identifiers: Orphanet 2020, MedGen C0546264, MONDO:0009711. Inheritance: all.
Congenital multicore myopathy with external ophthalmoplegia (CMYO1B). Also called: MULTICORE MYOPATHY; Minicore myopathy with external ophthalmoplegia; Congenital myopathy 1B, autosomal recessive; Minicore myopathy; MULTIMINICORE DISEASE WITH EXTERNAL OPHTHALMOPLEGIA. Identifiers: Orphanet 598, Orphanet 98905, MedGen C1850674, MONDO:0009712, OMIM 255320, HP:0003789.

Allele frequency attached by ClinVar (database versions not stated): TOPMed 0.00001; gnomAD 0.00003.
gnomAD v4.1: 6 of 1,613,396 alleles (0.00037%); highest among the groups gnomAD compares: Middle Eastern, 0.016%; no homozygotes.

Submissions (5):

Color Diagnostics, LLC DBA Color Health
Classification: Uncertain significance for Malignant hyperthermia, susceptibility to, 1. Last evaluated: 2025-10-06. Review status: criteria provided, single submitter. Criteria: ACMG Guidelines, 2015. Collection method: clinical testing. Allele origin: germline.
Comment: This missense variant replaces valine with phenylalanine at codon 2280 of the RYR1 protein. Computational prediction suggests that this variant may have deleterious impact on protein structure and function. To our knowledge, functional studies have not been reported for this variant. This variant has not been reported in individuals affected with RYR1-related disorders in the literature. This variant has been identified in 1/31380 chromosomes in the general population by the Genome Aggregation Database (gnomAD). The available evidence is insufficient to determine the role of this variant in disease conclusively. Therefore, this variant is classified as a Variant of Uncertain Significance.

Blueprint Genetics
Classification: Uncertain significance. Last evaluated: 2023-08-04. Review status: criteria provided, single submitter. Criteria: ACMG Guidelines, 2015. Collection method: clinical testing. Allele origin: germline.

All of Us Research Program, National Institutes of Health
Classification: Uncertain significance for Malignant hyperthermia, susceptibility to, 1. Last evaluated: 2023-06-26. Review status: criteria provided, single submitter. Criteria: ACMG Guidelines, 2015. Collection method: clinical testing. Allele origin: germline. Inheritance: Autosomal dominant inheritance. Observed: 1 variant allele, 1 heterozygote.
Comment: This missense variant replaces valine with phenylalanine at codon 2280 of the RYR1 protein. Computational prediction suggests that this variant may have deleterious impact on protein structure and function (internally defined REVEL score threshold >= 0.7, PMID: 27666373). To our knowledge, functional studies have not been reported for this variant. This variant has not been reported in individuals affected with RYR1-related disorders in the literature. This variant has been identified in 1/31380 chromosomes in the general population by the Genome Aggregation Database (gnomAD). The available evidence is insufficient to determine the role of this variant in disease conclusively. Therefore, this variant is classified as a Variant of Uncertain Significance.

This study involves interpretation of variants in research participants for the purpose of population health screening. Participant phenotype was not available at the time of variant classification. Additional details can be found in publication PMID: 35346344, PMCID: PMC8962531

Fulgent Genetics
Classification: Uncertain significance for Central core myopathy; Malignant hyperthermia, susceptibility to, 1; Congenital myopathy 4A, autosomal dominant; Congenital multicore myopathy with external ophthalmoplegia. Last evaluated: 2018-10-31. Review status: criteria provided, single submitter. Criteria: ACMG Guidelines, 2015. Collection method: clinical testing. Allele origin: unknown.

GeneDx
Classification: Uncertain significance. Last evaluated: 2018-05-29. Review status: criteria provided, single submitter. Criteria: GeneDx Variant Classification (06012015). Collection method: clinical testing. Allele origin: germline. Affected: yes.
Comment: A variant of uncertain significance has been identified in the RYR1 gene. The V2280F variant has not been published as a pathogenic variant, nor has it been reported as a benign variant to our knowledge. The V2280F variant is observed in 1/8730 (0.01%) alleles from individuals of African backgroun in large population cohorts (Lek et al., 2016). The V2280F variant is a semi-conservative amino acid substitution, which may impact secondary protein structure as these residues differ in some properties. In-silico analyses, including protein predictors and evolutionary conservation, support a deleterious effect. Based on the currently available information, it is unclear whether this variant is a pathogenic variant or a rare benign variant.

NM_000540.3(RYR1):c.6838G>T (p.Val2280Phe)

Gene: RYR1 (ryanodine receptor 1; plus strand). Cytogenetic location: 19q13.2.
Variant type: single nucleotide variant.
Coding change: c.6838G>T on transcript NM_000540.3 (MANE Select); coding-DNA position 6838, G replaced by T.
Protein change: p.Val2280Phe; replaces valine 2280 with phenylalanine.
Molecular consequence: missense variant.
Genome position (GRCh38, 1-based): chr19:38,496,901, G>T. VCF-style: chr19-38496901-G-T. GRCh37 (hg19) VCF-style: chr19-38987541-G-T.
Other names: c.6838G>T, p.Val2280Phe (NM_001042723.2); short protein forms V2280F.
Identifiers: ClinVar variation 546504 (VCV000546504.6), dbSNP rs193922797, ClinGen allele CA405666532.